The following is an entry in ClinVar:

ClinVar aggregate classification (germline): Likely benign (0 of 4 stars; one submission).

Conditions:
EP300-related disorder. Also called: EP300-related disorders; EP300-related condition.

gnomAD v4.1: 4 of 1,614,034 alleles (0.00025%); highest among the groups gnomAD compares: African/African-American, 0.004%; no homozygotes.

Submission:

PreventionGenetics, part of Exact Sciences
Classification: Likely benign for EP300-related condition. Last evaluated: 2021-06-28. Review status: no assertion criteria provided. Collection method: clinical testing. Allele origin: germline.
Comment: This variant is classified as likely benign based on ACMG/AMP sequence variant interpretation guidelines (Richards et al. 2015 PMID: 25741868, with internal and published modifications).

NM_001429.4(EP300):c.5859A>G (p.Gln1953=)

Gene: EP300 (E1A binding protein p300; plus strand). Cytogenetic location: 22q13.2.
Variant type: single nucleotide variant.
Coding change: c.5859A>G on transcript NM_001429.4 (MANE Select); coding-DNA position 5859, A replaced by G.
Protein change: p.Gln1953=; no amino-acid change (glutamine 1953 retained).
Molecular consequence: synonymous variant.
Genome position (GRCh38, 1-based): chr22:41,177,570, A>G. VCF-style: chr22-41177570-A-G. GRCh37 (hg19) VCF-style: chr22-41573574-A-G.
Other names: c.5781A>G, p.Gln1927= (NM_001362843.2).
Identifiers: ClinVar variation 3357676 (VCV003357676.1).